The following is an entry in ClinVar:

ClinVar aggregate classification (germline): Uncertain significance (1 of 4 stars; one submission).

Allele frequency attached by ClinVar (database versions not stated): gnomAD 0.00012; TOPMed 0.00017.
gnomAD v4.1: 30 of 1,604,658 alleles (0.0019%); highest among the groups gnomAD compares: Admixed American, 0.043%; no homozygotes.

Submission:

Labcorp Genetics (formerly Invitae), Labcorp
Classification: Uncertain significance. Last evaluated: 2022-06-07. Review status: criteria provided, single submitter. Criteria: Invitae Variant Classification Sherloc (09022015). Collection method: clinical testing. Allele origin: germline.
Comment: This sequence change replaces proline, which is neutral and non-polar, with arginine, which is basic and polar, at codon 251 of the MAP3K20 protein (p.Pro251Arg). This variant is not present in population databases (gnomAD no frequency). This variant has not been reported in the literature in individuals affected with MAP3K20-related conditions. In summary, the available evidence is currently insufficient to determine the role of this variant in disease. Therefore, it has been classified as a Variant of Uncertain Significance.

NM_016653.3(MAP3K20):c.752C>G (p.Pro251Arg)

Genes: MAP3K20 (mitogen-activated protein kinase kinase kinase 20; plus strand), MAP3K20-AS1 (MAP3K20 antisense RNA 1; minus strand). Cytogenetic location: 2q31.1.
Variant type: single nucleotide variant.
Coding change: c.752C>G on transcript NM_016653.3 (MANE Select); coding-DNA position 752, C replaced by G.
Protein change: p.Pro251Arg; replaces proline 251 with arginine.
Molecular consequence: missense variant. On other transcripts: non-coding transcript variant (1).
Genome position (GRCh38, 1-based): chr2:173,209,736, C>G. VCF-style: chr2-173209736-C-G. GRCh37 (hg19) VCF-style: chr2-174074464-C-G.
Other names: c.752C>G, p.Pro251Arg (NM_133646.3); short protein forms P251R.
Identifiers: ClinVar variation 2201302 (VCV002201302.1), dbSNP rs1376835331, ClinGen allele CA349313818.